The following is an entry in ClinVar:

NM_005861.4(STUB1):c.101dup (p.Asn34fs)

Gene: STUB1 (STIP1 homology and U-box containing protein 1; plus strand). Cytogenetic location: 16p13.3.
Variant type: Duplication.
Coding change: c.101dup on transcript NM_005861.4 (MANE Select); coding-DNA position 101, one base duplicated (A; older notation c.101dupA).
Protein change: p.Asn34fs; shifts the reading frame from asparagine 34.
Molecular consequence: frameshift variant. On other transcripts: 5 prime UTR variant (1).
Genome position (GRCh38, 1-based): chr16:680,626, A duplicated; the last of 2 consecutive A bases (chr16:680,625-680,626); duplicating either gives the same sequence. VCF-style (leftmost placement, unchanged base first): chr16-680624-C-CA. GRCh37 (hg19) VCF-style: chr16-730624-C-CA.
Other names: c.-205dup (NM_001293197.2); short protein forms N34fs.
Identifiers: ClinVar variation 4850021 (VCV004850021.1).

ClinVar aggregate classification (germline): Likely pathogenic (1 of 4 stars; one submission).

Conditions:
Autosomal dominant and autosomal recessive STUB1-related disorders.

Submission:

Variantyx, Inc.
Classification: Likely pathogenic for Autosomal dominant and autosomal recessive STUB1-related disorders. Last evaluated: 2025-05-05. Review status: criteria provided, single submitter. Criteria: Variantyx Assertion Criteria 2022. Collection method: clinical testing. Allele origin: germline. Inheritance: Semidominant inheritance. Affected: yes.
Comment: This is a frameshift variant in the STUB1 gene (OMIM: 607207). Pathogenic variants in this gene have been associated with autosomal semidominant STUB1-related disorders. This variant introduces a premature termination codon in exon 1 out of 7 and is expected to result in loss of function, which is a known disease mechanism for STUB1 in these disorders (PMID: 32713943) (PVS1). This variant is absent from control populations (PM2), and it has not been reported in individuals with STUB1-related disorders in the databases available for review. Based on the current evidence, this variant is classified as likely pathogenic for autosomal semidominant STUB1-related disorders.

Literature cited by the submitters: PubMed 32713943.